The following is an entry in ClinVar:

ClinVar aggregate classification (germline): Uncertain significance (1 of 4 stars; one submission).

Conditions:
Neuropathy, hereditary sensory and autonomic, type 2A (HSAN2A). Also called: ACROOSTEOLYSIS, GIACCAI TYPE; ACROOSTEOLYSIS, NEUROGENIC; MORVAN DISEASE; NEUROPATHY, CONGENITAL SENSORY; NEUROPATHY, HEREDITARY SENSORY RADICULAR, AUTOSOMAL RECESSIVE; NEUROPATHY, HEREDITARY SENSORY, TYPE IIA. Identifiers: Orphanet 970, MedGen C2752089, MONDO:0024309, OMIM 201300.
Generalized epilepsy with febrile seizures plus, type 7 (GEFSP7). Also called: GEFS+, TYPE 7. Identifiers: Orphanet 36387, MedGen C2751778, MONDO:0013470, OMIM 613863.

Submission:

Labcorp Genetics (formerly Invitae), Labcorp
Classification: Uncertain significance for Neuropathy, hereditary sensory and autonomic, type 2A; Generalized epilepsy with febrile seizures plus, type 7. Last evaluated: 2022-02-03. Review status: criteria provided, single submitter. Criteria: Invitae Variant Classification Sherloc (09022015). Collection method: clinical testing. Allele origin: germline.
Comment: In summary, the available evidence is currently insufficient to determine the role of this variant in disease. Therefore, it has been classified as a Variant of Uncertain Significance. Algorithms developed to predict the effect of missense changes on protein structure and function (SIFT, PolyPhen-2, Align-GVGD) all suggest that this variant is likely to be disruptive. This variant has not been reported in the literature in individuals affected with SCN9A-related conditions. This variant is not present in population databases (gnomAD no frequency). This sequence change replaces serine, which is neutral and polar, with proline, which is neutral and non-polar, at codon 390 of the SCN9A protein (p.Ser390Pro).

NM_001365536.1(SCN9A):c.1168T>C (p.Ser390Pro)

Genes: SCN9A (sodium voltage-gated channel alpha subunit 9; minus strand), SCN1A-AS1 (SCN1A and SCN9A antisense RNA 1; plus strand). Cytogenetic location: 2q24.3.
Variant type: single nucleotide variant.
Coding change: c.1168T>C on transcript NM_001365536.1 (MANE Select); coding-DNA position 1168, T replaced by C.
Protein change: p.Ser390Pro; replaces serine 390 with proline.
Molecular consequence: missense variant.
Genome position (GRCh38, 1-based): chr2:166,288,583, A>G on the plus strand (T>C on the coding strand, the complement: SCN9A is on the minus strand). VCF-style: chr2-166288583-A-G. GRCh37 (hg19) VCF-style: chr2-167145093-A-G.
Other names: c.1168T>C, p.Ser390Pro (NM_002977.4); short protein forms S390P.
Identifiers: ClinVar variation 1416952 (VCV001416952.8), dbSNP rs2106492896, ClinGen allele CA349086004.
Genomic context (GRCh38, chr2:166,288,583, plus strand): 5'-GGTTCTGTTCTTCATATGCCATGGCAACCACAGCCAGGATCAAGTTTATTAGATAAAAGG[A>G]GCCCAGGAAAATCACTACGACAAAGAAGATCATGTAGGTTTTGCCAGCAGCACGCAGCGT-3'
Protein context (NP_001352465.1, residues 380-400): IFFVVVIFLG[Ser390Pro]FYLINLILAV